The following is an entry in ClinVar:

ClinVar aggregate classification (germline): Conflicting classifications of pathogenicity. Review status: criteria provided, conflicting classifications (1 of 4 stars). 3 submissions from 3 submitters: Uncertain significance (1); Likely benign (2). Last evaluated 2026-03-01.

Conditions:
Growth delay due to insulin-like growth factor I resistance. Also called: Insulin-Like Growth Factor I Resistance; Somatomedin end-organ insensitivity to; Somatomedin-c resistance to; IGF-1 resistance; IGF-I RESISTANCE. Identifiers: Orphanet 73273, MedGen C1849157, MONDO:0010038, OMIM 270450.

Allele frequency attached by ClinVar (database versions not stated): ExAC 0.00001; gnomAD exomes 0.00001 and 0.00002; TOPMed 0.00002.
gnomAD v4.1: 29 of 1,614,178 alleles (0.0018%); highest among the groups gnomAD compares: Middle Eastern, 0.016%; no homozygotes.

Submissions (3):

CeGaT Center for Human Genetics Tuebingen
Classification: Likely benign. Last evaluated: 2026-03-01. Review status: criteria provided, single submitter. Criteria: CeGaT Center For Human Genetics Tuebingen Variant Classification Criteria Version 2. Collection method: clinical testing. Allele origin: germline. Affected: yes. Observed: 1 variant allele.
Comment: IGF1R: BP4, BP7

Labcorp Genetics (formerly Invitae), Labcorp
Classification: Likely benign. Last evaluated: 2023-11-07. Review status: criteria provided, single submitter. Criteria: Invitae Variant Classification Sherloc (09022015). Collection method: clinical testing. Allele origin: germline.

Illumina Laboratory Services, Illumina
Classification: Uncertain significance for Growth delay due to insulin-like growth factor I resistance. Last evaluated: 2018-01-12. Review status: criteria provided, single submitter. Criteria: ICSL Variant Classification Criteria 13 December 2019. Collection method: clinical testing. Allele origin: germline.

NM_000875.5(IGF1R):c.1671G>A (p.Pro557=)

Gene: IGF1R (insulin like growth factor 1 receptor; plus strand). Cytogenetic location: 15q26.3.
Variant type: single nucleotide variant.
Coding change: c.1671G>A on transcript NM_000875.5 (MANE Select); coding-DNA position 1671, G replaced by A.
Protein change: p.Pro557=; no amino-acid change (proline 557 retained).
Molecular consequence: synonymous variant.
Genome position (GRCh38, 1-based): chr15:98,913,125, G>A. VCF-style: chr15-98913125-G-A. GRCh37 (hg19) VCF-style: chr15-99456354-G-A.
Other names: c.1671G>A, p.Pro557= (NM_001291858.2).
Identifiers: ClinVar variation 887904 (VCV000887904.11), dbSNP rs773154665, ClinGen allele CA7752167.